The following is an entry in ClinVar:

ClinVar aggregate classification (germline): Conflicting classifications of pathogenicity. Review status: criteria provided, conflicting classifications (1 of 4 stars). 2 submissions from 2 submitters: Uncertain significance (1); Likely benign (1). Last evaluated 2023-11-27.

Conditions:
Inborn genetic diseases. Identifiers: MedGen C0950123, MeSH D030342.

Allele frequency attached by ClinVar (database versions not stated): gnomAD exomes 0.00002; TOPMed 0.00003; ExAC 0.00004; gnomAD 0.00005.

Submissions (2):

Labcorp Genetics (formerly Invitae), Labcorp
Classification: Uncertain significance. Last evaluated: 2023-11-27. Review status: criteria provided, single submitter. Criteria: Invitae Variant Classification Sherloc (09022015). Collection method: clinical testing. Allele origin: germline.
Comment: This sequence change replaces asparagine, which is neutral and polar, with aspartic acid, which is acidic and polar, at codon 283 of the PLOD3 protein (p.Asn283Asp). This variant is present in population databases (rs770077760, gnomAD 0.008%). This variant has not been reported in the literature in individuals affected with PLOD3-related conditions. ClinVar contains an entry for this variant (Variation ID: 2380199). Algorithms developed to predict the effect of missense changes on protein structure and function output the following: SIFT: "Not Available"; PolyPhen-2: "Benign"; Align-GVGD: "Not Available". The aspartic acid amino acid residue is found in multiple mammalian species, which suggests that this missense change does not adversely affect protein function. In summary, the available evidence is currently insufficient to determine the role of this variant in disease. Therefore, it has been classified as a Variant of Uncertain Significance.

Ambry Genetics
Classification: Likely benign for Inborn genetic diseases. Last evaluated: 2022-12-01. Review status: criteria provided, single submitter. Criteria: Ambry Variant Classification Scheme 2023. Collection method: clinical testing. Allele origin: germline.

NM_001084.5(PLOD3):c.847A>G (p.Asn283Asp)

Gene: PLOD3 (procollagen-lysine,2-oxoglutarate 5-dioxygenase 3; minus strand). Cytogenetic location: 7q22.1.
Variant type: single nucleotide variant.
Coding change: c.847A>G on transcript NM_001084.5 (MANE Select); coding-DNA position 847, A replaced by G.
Protein change: p.Asn283Asp; replaces asparagine 283 with aspartic acid.
Molecular consequence: missense variant.
Genome position (GRCh38, 1-based): chr7:101,212,874, T>C on the plus strand (A>G on the coding strand, the complement: PLOD3 is on the minus strand). VCF-style: chr7-101212874-T-C. GRCh37 (hg19) VCF-style: chr7-100856155-T-C.
Other names: short protein forms N283D.
Identifiers: ClinVar variation 2380199 (VCV002380199.3), dbSNP rs770077760, ClinGen allele CA4407991.